The following is an entry in ClinVar:

ClinVar aggregate classification (germline): Pathogenic (0 of 4 stars; one submission).

Conditions:
RAB27A-related disorder. Also called: RAB27A-related condition.

Submission:

PreventionGenetics, part of Exact Sciences
Classification: Pathogenic for RAB27A-related condition. Last evaluated: 2024-05-22. Review status: no assertion criteria provided. Collection method: clinical testing. Allele origin: germline.
Comment: The RAB27A c.586delG variant is predicted to result in a frameshift and premature protein termination (p.Glu196Lysfs*15). This variant has been reported in an individual with Hemophagocytic lymphohistiocytosis (Sepulveda et al. 2013. PubMed ID: 23160464. Table S1). This variant has not been reported in a large population database, indicating this variant is rare. Frameshift variants in RAB27A are expected to be pathogenic. This variant is interpreted as pathogenic.

NM_183235.3(RAB27A):c.586del (p.Glu196fs)

Gene: RAB27A (RAB27A, member RAS oncogene family; minus strand). Cytogenetic location: 15q21.3.
Variant type: Deletion.
Coding change: c.586del on transcript NM_183235.3 (MANE Select); coding-DNA position 586, one base deleted (G; older notation c.586delG).
Protein change: p.Glu196fs; shifts the reading frame from glutamic acid 196.
Molecular consequence: frameshift variant.
Genome position (GRCh38, 1-based): chr15:55,205,587, C deleted on the plus strand (G on the coding strand, the reverse complement: RAB27A is on the minus strand). VCF-style (leftmost placement, unchanged base first): chr15-55205586-TC-T. GRCh37 (hg19) VCF-style: chr15-55497784-TC-T.
Other names: c.586del, p.Glu196fs (NM_004580.5, NM_183236.3); c.586delG, p.Glu196Lysfs (NM_183234.3); short protein forms E196fs.
Identifiers: ClinVar variation 3353400 (VCV003353400.1).